The following is an entry in ClinVar:

ClinVar aggregate classification (germline): Uncertain significance (1 of 4 stars; one submission).

Allele frequency attached by ClinVar (database versions not stated): gnomAD exomes below 0.00001.
gnomAD v4.1: 1 of 1,563,012 alleles (0.000064%); highest among the groups gnomAD compares: Non-Finnish European, 0.000088%; no homozygotes.

Submission:

Labcorp Genetics (formerly Invitae), Labcorp
Classification: Uncertain significance. Last evaluated: 2022-07-06. Review status: criteria provided, single submitter. Criteria: Invitae Variant Classification Sherloc (09022015). Collection method: clinical testing. Allele origin: germline.
Comment: In summary, the available evidence is currently insufficient to determine the role of this variant in disease. Therefore, it has been classified as a Variant of Uncertain Significance. Algorithms developed to predict the effect of missense changes on protein structure and function are either unavailable or do not agree on the potential impact of this missense change (SIFT: "Tolerated"; PolyPhen-2: "Probably Damaging"; Align-GVGD: "Class C0"). This variant has not been reported in the literature in individuals affected with C5-related conditions. This variant is not present in population databases (gnomAD no frequency). This sequence change replaces isoleucine, which is neutral and non-polar, with valine, which is neutral and non-polar, at codon 190 of the C5 protein (p.Ile190Val).

NM_001735.3(C5):c.568A>G (p.Ile190Val)

Gene: C5 (complement C5; minus strand). Cytogenetic location: 9q33.2.
Variant type: single nucleotide variant.
Coding change: c.568A>G on transcript NM_001735.3 (MANE Select); coding-DNA position 568, A replaced by G.
Protein change: p.Ile190Val; replaces isoleucine 190 with valine.
Molecular consequence: missense variant.
Genome position (GRCh38, 1-based): chr9:121,034,819, T>C on the plus strand (A>G on the coding strand, the complement: C5 is on the minus strand). VCF-style: chr9-121034819-T-C. GRCh37 (hg19) VCF-style: chr9-123797097-T-C.
Other names: c.586A>G, p.Ile196Val (NM_001317163.2); c.568A>G, p.Ile190Val (NM_001317164.2); short protein forms I190V, I196V.
Identifiers: ClinVar variation 2014639 (VCV002014639.4), dbSNP rs2540449954, ClinGen allele CA374758828.